The following is an entry in ClinVar:

ClinVar aggregate classification (germline): Likely pathogenic (1 of 4 stars; one submission).

Allele frequency attached by ClinVar (database versions not stated): TOPMed 0.00001; gnomAD exomes 0.00002; gnomAD 0.00003.
gnomAD v4.1: 40 of 1,464,978 alleles (0.0027%); highest among the groups gnomAD compares: Non-Finnish European, 0.0032%; no homozygotes.

Submission:

Labcorp Genetics (formerly Invitae), Labcorp
Classification: Likely pathogenic. Last evaluated: 2022-03-11. Review status: criteria provided, single submitter. Criteria: Invitae Variant Classification Sherloc (09022015). Collection method: clinical testing. Allele origin: germline.
Comment: In summary, the currently available evidence indicates that the variant is pathogenic, but additional data are needed to prove that conclusively. Therefore, this variant has been classified as Likely Pathogenic. Algorithms developed to predict the effect of sequence changes on RNA splicing suggest that this variant may disrupt the consensus splice site. This variant has not been reported in the literature in individuals affected with MGP-related conditions. The frequency data for this variant in the population databases is considered unreliable, as metrics indicate poor data quality at this position in the gnomAD database. This sequence change affects a donor splice site in intron 2 of the MGP gene. It is expected to disrupt RNA splicing. Variants that disrupt the donor or acceptor splice site typically lead to a loss of protein function (PMID: 16199547), and loss-of-function variants in MGP are known to be pathogenic (PMID: 9916809, 24458983).

Literature cited by the submitters: PubMed 16199547; PubMed 9916809; PubMed 24458983.

NM_000900.5(MGP):c.94+2T>C

Gene: MGP (matrix Gla protein; minus strand). Cytogenetic location: 12p12.3.
Variant type: single nucleotide variant.
Coding change: c.94+2T>C on transcript NM_000900.5 (MANE Select); the canonical splice donor site of the intron after coding-DNA position 94, T replaced by C.
Molecular consequence: splice donor variant.
Genome position (GRCh38, 1-based): chr12:14,884,211, A>G on the plus strand (T>C on the coding strand, the complement: MGP is on the minus strand). VCF-style: chr12-14884211-A-G. GRCh37 (hg19) VCF-style: chr12-15037145-A-G.
Other names: c.169+2T>C (NM_001190839.3).
Identifiers: ClinVar variation 1987659 (VCV001987659.2), dbSNP rs1191773234, ClinGen allele CA384020678.